The following is an entry in ClinVar:

NM_006348.5(COG5):c.682G>C (p.Val228Leu)

Gene: COG5 (component of oligomeric golgi complex 5; minus strand). Cytogenetic location: 7q22.3.
Variant type: single nucleotide variant.
Coding change: c.682G>C on transcript NM_006348.5 (MANE Select); coding-DNA position 682, G replaced by C.
Protein change: p.Val228Leu; replaces valine 228 with leucine.
Molecular consequence: missense variant. On other transcripts: intron variant (2).
Genome position (GRCh38, 1-based): chr7:107,372,748, C>G on the plus strand (G>C on the coding strand, the complement: COG5 is on the minus strand). VCF-style: chr7-107372748-C-G. GRCh37 (hg19) VCF-style: chr7-107013193-C-G.
Other names: c.682G>C, p.Val228Leu (NM_001161520.2, NM_001379511.1, NM_001379512.1 and 3 more transcripts); c.235-10638G>C (NM_001379516.1); c.539-74402G>C (NM_001379515.1); short protein forms V228L.
Identifiers: ClinVar variation 1713653 (VCV001713653.5), dbSNP rs1814294556, ClinGen allele CA368941158.

ClinVar aggregate classification (germline): Uncertain significance (1 of 4 stars; one submission).

Conditions:
COG5-congenital disorder of glycosylation. Also called: CONGENITAL DISORDER OF GLYCOSYLATION, TYPE IIi; CDG IIi; COG5-CDG. Identifiers: Orphanet 263487, MedGen C3150876, MONDO:0013325, OMIM 613612.

Allele frequency attached by ClinVar (database versions not stated): gnomAD exomes below 0.00001.
gnomAD v4.1: 2 of 1,613,332 alleles (0.00012%); highest among the groups gnomAD compares: Non-Finnish European, 0.00017%; no homozygotes.

Submission:

Labcorp Genetics (formerly Invitae), Labcorp
Classification: Uncertain significance for COG5-congenital disorder of glycosylation. Last evaluated: 2024-09-30. Review status: criteria provided, single submitter. Criteria: Invitae Variant Classification Sherloc (09022015). Collection method: clinical testing. Allele origin: germline.
Comment: This sequence change replaces valine, which is neutral and non-polar, with leucine, which is neutral and non-polar, at codon 259 of the COG5 protein (p.Val259Leu). This variant is not present in population databases (gnomAD no frequency). This variant has not been reported in the literature in individuals affected with COG5-related conditions. ClinVar contains an entry for this variant (Variation ID: 1713653). An algorithm developed to predict the effect of missense changes on protein structure and function (PolyPhen-2) suggests that this variant is likely to be disruptive. In summary, the available evidence is currently insufficient to determine the role of this variant in disease. Therefore, it has been classified as a Variant of Uncertain Significance.